The following is an entry in ClinVar:

ClinVar aggregate classification (germline): Uncertain significance (1 of 4 stars; one submission).

Submission:

GeneDx
Classification: Uncertain significance. Last evaluated: 2026-07-16. Review status: criteria provided, single submitter. Criteria: GeneDx Variant Classification Process June 2021. Collection method: clinical testing. Allele origin: germline.
Comment: Not observed at significant frequency in large population cohorts (gnomAD); In silico analysis suggests that this missense variant does not alter protein structure/function; Has not been previously published as pathogenic or benign to our knowledge

NM_001242896.3(DEPDC5):c.3860C>T (p.Ala1287Val)

Gene: DEPDC5 (DEP domain containing 5, GATOR1 subcomplex subunit; plus strand). Cytogenetic location: 22q12.3.
Variant type: single nucleotide variant.
Coding change: c.3860C>T on transcript NM_001242896.3 (MANE Select); coding-DNA position 3860, C replaced by T.
Protein change: p.Ala1287Val; replaces alanine 1287 with valine.
Molecular consequence: missense variant. On other transcripts: non-coding transcript variant (5).
Genome position (GRCh38, 1-based): chr22:31,879,579, C>T. VCF-style: chr22-31879579-C-T. GRCh37 (hg19) VCF-style: chr22-32275565-C-T.
Other names: c.3767C>T, p.Ala1256Val (NM_014662.6, NM_001369903.1); c.3833C>T, p.Ala1278Val (NM_001136029.4); c.3560C>T, p.Ala1187Val (NM_001242897.2); c.3794C>T, p.Ala1265Val (NM_001363852.2, NM_001364320.2); c.3626C>T, p.Ala1209Val (NM_001363854.2, NM_001364319.2); c.3860C>T, p.Ala1287Val (NM_001364318.2); c.3776C>T, p.Ala1259Val (NM_001369901.1, NM_001369902.1); short protein forms A1187V, A1209V, A1256V, A1259V, A1265V, A1278V, A1287V.
Identifiers: ClinVar variation 3777689 (VCV003777689.2).